The following is an entry in ClinVar:

NM_001365951.3(KIF1B):c.4843A>G (p.Ile1615Val)

Gene: KIF1B (kinesin family member 1B; plus strand). Cytogenetic location: 1p36.22.
Variant type: single nucleotide variant.
Coding change: c.4843A>G on transcript NM_001365951.3 (MANE Select); coding-DNA position 4843, A replaced by G.
Protein change: p.Ile1615Val; replaces isoleucine 1615 with valine.
Molecular consequence: missense variant.
Genome position (GRCh38, 1-based): chr1:10,371,159, A>G. VCF-style: chr1-10371159-A-G. GRCh37 (hg19) VCF-style: chr1-10431217-A-G.
Other names: c.4843A>G, p.Ile1615Val (NM_001365952.1); c.4705A>G, p.Ile1569Val (NM_015074.3); short protein forms I1569V, I1615V.
Identifiers: ClinVar variation 971168 (VCV000971168.14), dbSNP rs372421679, ClinGen allele CA582207.
Genomic context (GRCh38, chr1:10,371,159, plus strand): 5'-TTTTCAGCTGAATGTAACTTGTAGTGTTCGGTTTGCTTCCAGTTGTCTGATATCTCTCCA[A>G]TTGGACGGGATCCCTCTGAGTCCAGTTTCAGCAGTGCCACCCTCACTCCCTCCTCCACCT-3'
Protein context (NP_001352880.1, residues 1605-1625): SDCKLSDISP[Ile1615Val]GRDPSESSFS

ClinVar aggregate classification (germline): Uncertain significance. Review status: criteria provided, multiple submitters, no conflicts (2 of 4 stars). 3 submissions from 3 submitters: Uncertain significance (3). Last evaluated 2026-06-18.

Conditions:
Charcot-Marie-Tooth disease type 2. Also called: Charcot-Marie-Tooth type 2. Identifiers: Orphanet 64746, MedGen C0270914, MONDO:0018993.

Allele frequency attached by ClinVar (database versions not stated): gnomAD exomes 0.00001; ExAC 0.00002; gnomAD 0.00003; TOPMed 0.00006; ESP Exome Variant Server 0.00015.
gnomAD v4.1: 25 of 1,613,924 alleles (0.0015%); highest among the groups gnomAD compares: Non-Finnish European, 0.0019%; no homozygotes.

Submissions (3):

Women's Health and Genetics/Laboratory Corporation of America, LabCorp
Classification: Uncertain significance. Last evaluated: 2026-06-18. Review status: criteria provided, single submitter. Criteria: LabCorp Variant Classification Summary - May 2015. Collection method: clinical testing. Allele origin: germline.
Comment: Variant summary: KIF1B c.4705A>G (p.Ile1569Val) results in a conservative amino acid change in the encoded protein sequence. Algorithms developed to predict the effect of missense changes on protein structure and function are either unavailable or do not agree on the potential impact of this missense change. The variant allele was found at a frequency of 1.2e-05 in 251488 control chromosomes. The available data on variant occurrences in the general population are insufficient to allow any conclusion about variant significance. To our knowledge, no occurrence of c.4705A>G in individuals affected with KIF1B-related conditions and no experimental evidence demonstrating its impact on protein function have been reported. ClinVar contains an entry for this variant (Variation ID: 971168). Based on the evidence outlined above, the variant was classified as uncertain significance.

Ambry Genetics
Classification: Uncertain significance. Last evaluated: 2025-08-22. Review status: criteria provided, single submitter. Criteria: Ambry Variant Classification Scheme 2023. Collection method: clinical testing. Allele origin: germline.

Labcorp Genetics (formerly Invitae), Labcorp
Classification: Uncertain significance for Charcot-Marie-Tooth disease type 2. Last evaluated: 2022-10-27. Review status: criteria provided, single submitter. Criteria: Invitae Variant Classification Sherloc (09022015). Collection method: clinical testing. Allele origin: germline.
Comment: In summary, the available evidence is currently insufficient to determine the role of this variant in disease. Therefore, it has been classified as a Variant of Uncertain Significance. Algorithms developed to predict the effect of missense changes on protein structure and function output the following: SIFT: "Tolerated"; PolyPhen-2: "Benign"; Align-GVGD: "Class C0". The valine amino acid residue is found in multiple mammalian species, which suggests that this missense change does not adversely affect protein function. ClinVar contains an entry for this variant (Variation ID: 971168). This variant has not been reported in the literature in individuals affected with KIF1B-related conditions. This variant is present in population databases (rs372421679, gnomAD 0.007%). This sequence change replaces isoleucine, which is neutral and non-polar, with valine, which is neutral and non-polar, at codon 1569 of the KIF1B protein (p.Ile1569Val).